The following is an entry in ClinVar:

ClinVar aggregate classification (germline): Uncertain significance (1 of 4 stars; one submission).

Conditions:
Charcot-Marie-Tooth disease type 2. Also called: Charcot-Marie-Tooth type 2. Identifiers: Orphanet 64746, MedGen C0270914, MONDO:0018993.

Allele frequency attached by ClinVar (database versions not stated): gnomAD exomes below 0.00001; ExAC 0.00001.
gnomAD v4.1: 5 of 1,614,126 alleles (0.00031%); highest among the groups gnomAD compares: Non-Finnish European, 0.00042%; no homozygotes.

Submission:

Labcorp Genetics (formerly Invitae), Labcorp
Classification: Uncertain significance for Charcot-Marie-Tooth disease type 2. Last evaluated: 2024-12-11. Review status: criteria provided, single submitter. Criteria: Invitae Variant Classification Sherloc (09022015). Collection method: clinical testing. Allele origin: germline.
Comment: This sequence change replaces cysteine, which is neutral and slightly polar, with tyrosine, which is neutral and polar, at codon 525 of the GARS protein (p.Cys525Tyr). This variant is present in population databases (rs758225567, gnomAD 0.0009%). This variant has not been reported in the literature in individuals affected with GARS-related conditions. ClinVar contains an entry for this variant (Variation ID: 1014113). Invitae Evidence Modeling of protein sequence and biophysical properties (such as structural, functional, and spatial information, amino acid conservation, physicochemical variation, residue mobility, and thermodynamic stability) indicates that this missense variant is not expected to disrupt GARS protein function with a negative predictive value of 95%. In summary, the available evidence is currently insufficient to determine the role of this variant in disease. Therefore, it has been classified as a Variant of Uncertain Significance.

NM_002047.4(GARS1):c.1574G>A (p.Cys525Tyr)

Gene: GARS1 (glycyl-tRNA synthetase 1; plus strand). Cytogenetic location: 7p14.3.
Variant type: single nucleotide variant.
Coding change: c.1574G>A on transcript NM_002047.4 (MANE Select); coding-DNA position 1574, G replaced by A.
Protein change: p.Cys525Tyr; replaces cysteine 525 with tyrosine.
Molecular consequence: missense variant.
Genome position (GRCh38, 1-based): chr7:30,622,423, G>A. VCF-style: chr7-30622423-G-A. GRCh37 (hg19) VCF-style: chr7-30662039-G-A.
Other names: c.1412G>A, p.Cys471Tyr (NM_001316772.1); short protein forms C471Y, C525Y.
Identifiers: ClinVar variation 1014113 (VCV001014113.8), dbSNP rs758225567, ClinGen allele CA4206001.